The following is an entry in ClinVar:

ClinVar aggregate classification (germline): Uncertain significance. Review status: criteria provided, multiple submitters, no conflicts (2 of 4 stars). 2 submissions from 2 submitters: Uncertain significance (2). Last evaluated 2025-12-30.

Conditions:
Hereditary cancer-predisposing syndrome. Also called: Hereditary neoplastic syndrome; Neoplastic Syndromes, Hereditary; Tumor predisposition; Hereditary Cancer Syndrome. Identifiers: Orphanet 140162, MedGen C0027672, MeSH D009386, MONDO:0015356.
Retinoblastoma (RB1). Also called: RETINOBLASTOMA, SOMATIC. Identifiers: Orphanet 790, MedGen C0035335, MeSH D012175, MONDO:0008380, OMIM 180200, HP:0009919. Disease mechanism: loss of function. Inheritance: Both sporadic and heritable forms are tested..

Submissions (2):

Ambry Genetics
Classification: Uncertain significance for Hereditary cancer-predisposing syndrome. Last evaluated: 2025-12-30. Review status: criteria provided, single submitter. Criteria: Ambry Variant Classification Scheme 2023. Collection method: clinical testing. Allele origin: germline.
Comment: The p.L564F variant (also known as c.1690C>T), located in coding exon 17 of the RB1 gene, results from a C to T substitution at nucleotide position 1690. The leucine at codon 564 is replaced by phenylalanine, an amino acid with highly similar properties. This amino acid position is not well conserved in available vertebrate species. In addition, this alteration is predicted to be tolerated by in silico analysis. Based on the available evidence, the clinical significance of this variant remains unclear.

Labcorp Genetics (formerly Invitae), Labcorp
Classification: Uncertain significance for Retinoblastoma. Last evaluated: 2022-01-23. Review status: criteria provided, single submitter. Criteria: Invitae Variant Classification Sherloc (09022015). Collection method: clinical testing. Allele origin: germline.
Comment: This sequence change replaces leucine, which is neutral and non-polar, with phenylalanine, which is neutral and non-polar, at codon 564 of the RB1 protein (p.Leu564Phe). This variant is not present in population databases (gnomAD no frequency). This variant has not been reported in the literature in individuals affected with RB1-related conditions. Algorithms developed to predict the effect of missense changes on protein structure and function are either unavailable or do not agree on the potential impact of this missense change (SIFT: "Tolerated"; PolyPhen-2: "Possibly Damaging"; Align-GVGD: "Class C0"). In summary, the available evidence is currently insufficient to determine the role of this variant in disease. Therefore, it has been classified as a Variant of Uncertain Significance.

NM_000321.3(RB1):c.1690C>T (p.Leu564Phe)

Gene: RB1 (RB transcriptional corepressor 1; plus strand). Cytogenetic location: 13q14.2.
Variant type: single nucleotide variant.
Coding change: c.1690C>T on transcript NM_000321.3 (MANE Select); coding-DNA position 1690, C replaced by T.
Protein change: p.Leu564Phe; replaces leucine 564 with phenylalanine.
Molecular consequence: missense variant.
Genome position (GRCh38, 1-based): chr13:48,381,438, C>T. VCF-style: chr13-48381438-C-T. GRCh37 (hg19) VCF-style: chr13-48955574-C-T.
Other names: c.1690C>T, p.Leu564Phe (NM_001407165.1, NM_001407166.1); short protein forms L564F.
Identifiers: ClinVar variation 2139702 (VCV002139702.2), dbSNP rs2138145823, ClinGen allele CA388164062.